The following is an entry in ClinVar:

NM_005401.5(PTPN14):c.1359G>C (p.Lys453Asn)

Gene: PTPN14 (protein tyrosine phosphatase non-receptor type 14; minus strand). Cytogenetic location: 1q32.3.
Variant type: single nucleotide variant.
Coding change: c.1359G>C on transcript NM_005401.5 (MANE Select); coding-DNA position 1359, G replaced by C.
Protein change: p.Lys453Asn; replaces lysine 453 with asparagine.
Molecular consequence: missense variant.
Genome position (GRCh38, 1-based): chr1:214,384,496, C>G on the plus strand (G>C on the coding strand, the complement: PTPN14 is on the minus strand). VCF-style: chr1-214384496-C-G. GRCh37 (hg19) VCF-style: chr1-214557839-C-G.
Other names: short protein forms K453N.
Identifiers: ClinVar variation 3354953 (VCV003354953.1).
Genomic context (GRCh38, chr1:214,384,496, plus strand): 5'-GTTGATAATGTTGAGGTTTCTCAGAGACTGGCTCTGGCTGTCTGTATGCAGGATCCCCCT[C>G]TTCATCTGGCGCATGACTGTCTCATAATCGGGGGTTGGCCTGTACGAGGGCACGATGATC-3'
Protein context (NP_005392.2, residues 443-463): PDYETVMRQM[Lys453Asn]RGILHTDSQS

ClinVar aggregate classification (germline): Uncertain significance (0 of 4 stars; one submission).

Conditions:
PTPN14-related disorder. Also called: PTPN14-related condition.

gnomAD v4.1: 1 of 1,614,124 alleles (0.000062%); highest among the groups gnomAD compares: Non-Finnish European, 0.000085%; no homozygotes.

Submission:

PreventionGenetics, part of Exact Sciences
Classification: Uncertain significance for PTPN14-related condition. Last evaluated: 2024-08-07. Review status: no assertion criteria provided. Collection method: clinical testing. Allele origin: germline.
Comment: The PTPN14 c.1359G>C variant is predicted to result in the amino acid substitution p.Lys453Asn. To our knowledge, this variant has not been reported in the literature or in gnomAD, indicating this variant is rare. At this time, the clinical significance of this variant is uncertain due to the absence of conclusive functional and genetic evidence.